The following is an entry in ClinVar:

ClinVar aggregate classification (germline): Conflicting classifications of pathogenicity. Review status: criteria provided, conflicting classifications (1 of 4 stars). 4 submissions from 4 submitters: Uncertain significance (1); Likely benign (3). Last evaluated 2026-04-08.

Conditions:
LAMP2-related disorder. Also called: LAMP2-related condition.
Cardiovascular phenotype. Identifiers: MedGen CN230736.
Danon disease. Also called: ANTOPOL DISEASE; Glycogen Storage Disease Type IIb; PSEUDOGLYCOGENOSIS II; GSD IIb; LYSOSOMAL GLYCOGEN STORAGE DISEASE WITHOUT ACID MALTASE DEFICIENCY. Identifiers: Orphanet 34587, MedGen C0878677, MONDO:0010281, OMIM 300257.

Allele frequency attached by ClinVar (database versions not stated): ExAC 0.00002; gnomAD 0.00002; gnomAD exomes 0.00002 and 0.00004; TOPMed 0.00002.
gnomAD v4.1: 52 of 1,205,007 alleles (0.0043%); highest among the groups gnomAD compares: Non-Finnish European, 0.0055%; no homozygotes.

Submissions (4):

PreventionGenetics, part of Exact Sciences
Classification: Likely benign for LAMP2-related condition. Last evaluated: 2026-04-08. Review status: criteria provided, single submitter. Criteria: ACMG Guidelines, 2015. Collection method: clinical testing. Allele origin: germline.
Comment: This variant is classified as likely benign based on ACMG/AMP sequence variant interpretation guidelines (Richards et al. 2015 PMID: 25741868, with internal and published modifications).

Labcorp Genetics (formerly Invitae), Labcorp
Classification: Likely benign for Danon disease. Last evaluated: 2026-01-28. Review status: criteria provided, single submitter. Criteria: Invitae Variant Classification Sherloc (09022015). Collection method: clinical testing. Allele origin: germline.

Ambry Genetics
Classification: Likely benign for Cardiovascular phenotype. Last evaluated: 2025-01-08. Review status: criteria provided, single submitter. Criteria: Ambry Variant Classification Scheme 2023. Collection method: clinical testing. Allele origin: germline.

Victorian Clinical Genetics Services, Murdoch Childrens Research Institute
Classification: Uncertain significance for Danon disease. Last evaluated: 2020-06-11. Review status: criteria provided, single submitter. Criteria: ACMG Guidelines, 2015. Collection method: clinical testing. Allele origin: germline. Inheritance: X-linked dominant inheritance. Affected: yes.
Comment: Based on the classification scheme VCGS_Germline_v1.1.1, this variant is classified as 3C-VUS. Following criteria are met: 0102 - Loss-of-function is a known mechanism of disease for this gene. (N) 0110 - This gene is known to be associated with X-linked dominant disease. (N) 0200 - Variant is predicted to result in a missense amino acid change from a histidine to a tyrosine (exon 6). (N) 0253 - Variant is hemizygous. (N) 0302 - Variant is present in gnomAD <0.001 for a dominant condition (3 heterozygotes, 2 hemizygotes, 0 homozygotes). (P) 0503 - Missense variant consistently predicted to be tolerated or not conserved in mammals with a minor amino acid change. (B) 0600 - Variant is located in an annotated domain or motif (Lysosome-associated membrane glycoprotein; PDB, NCBI). (N) 0705 - No comparable variants have previous evidence for pathogenicity. (N) 0808 - Previous reports of pathogenicity are conflicting. The variant has been previously reported as pathogenic in patients with HCM (PMID: 30108015), and also reported as a VUS in patients with HCM and arrhythmia (ClinVar, PMID: 28771489, 30847666). (N) 0905 - No segregation evidence has been identified for this variant. (N) 1007 - No published functional evidence has been identified for this variant. (N) 1208 - Inheritance information for this variant is not currently available. (N) Legend: (P) - Pathogenic, (N) - Neutral, (B) - Benign

Literature cited by the submitters: PubMed 28255936 (cited by Ambry Genetics); PubMed 28771489 (cited by Ambry Genetics and Victorian Clinical Genetics Services, Murdoch Childrens Research Institute); PubMed 30108015 (cited by Ambry Genetics and Victorian Clinical Genetics Services, Murdoch Childrens Research Institute); PubMed 30847666 (cited by Victorian Clinical Genetics Services, Murdoch Childrens Research Institute).

NM_002294.3(LAMP2):c.778C>T (p.His260Tyr)

Gene: LAMP2 (lysosome associated membrane protein 2; minus strand). Cytogenetic location: Xq24.
Variant type: single nucleotide variant.
Coding change: c.778C>T on transcript NM_002294.3 (MANE Select); coding-DNA position 778, C replaced by T.
Protein change: p.His260Tyr; replaces histidine 260 with tyrosine.
Molecular consequence: missense variant.
Genome position (GRCh38, 1-based): chrX:120,446,391, G>A on the plus strand (C>T on the coding strand, the complement: LAMP2 is on the minus strand). VCF-style: chrX-120446391-G-A. GRCh37 (hg19) VCF-style: chrX-119580246-G-A.
Other names: c.778C>T, p.His260Tyr (NM_001122606.1, NM_013995.2); short protein forms H260Y.
Identifiers: ClinVar variation 409223 (VCV000409223.13), dbSNP rs778577575, ClinGen allele CA10505252.